The following is an entry in ClinVar:

ClinVar aggregate classification (germline): Likely benign (0 of 4 stars; one submission).

Conditions:
SETX-related disorder. Also called: SETX-related condition; SETX-related disorders. Identifiers: MedGen CN239403.

gnomAD v4.1: 1 of 1,614,166 alleles (0.000062%); highest among the groups gnomAD compares: South Asian, 0.0011%; no homozygotes.

Submission:

PreventionGenetics, part of Exact Sciences
Classification: Likely benign for SETX-related condition. Last evaluated: 2022-06-03. Review status: no assertion criteria provided. Collection method: clinical testing. Allele origin: germline.
Comment: This variant is classified as likely benign based on ACMG/AMP sequence variant interpretation guidelines (Richards et al. 2015 PMID: 25741868, with internal and published modifications).

NM_015046.7(SETX):c.6501C>T (p.Phe2167=)

Gene: SETX (senataxin; minus strand). Cytogenetic location: 9q34.13.
Variant type: single nucleotide variant.
Coding change: c.6501C>T on transcript NM_015046.7 (MANE Select); coding-DNA position 6501, C replaced by T.
Protein change: p.Phe2167=; no amino-acid change (phenylalanine 2167 retained).
Molecular consequence: synonymous variant.
Genome position (GRCh38, 1-based): chr9:132,283,309, G>A on the plus strand (C>T on the coding strand, the complement: SETX is on the minus strand). VCF-style: chr9-132283309-G-A. GRCh37 (hg19) VCF-style: chr9-135158696-G-A.
Other names: c.6501C>T, p.Phe2167= (NM_001351527.2, NM_001351528.2).
Identifiers: ClinVar variation 3354211 (VCV003354211.1).